The following is an entry in ClinVar:

ClinVar aggregate classification (germline): Conflicting classifications of pathogenicity. Review status: criteria provided, conflicting classifications (1 of 4 stars). 2 submissions from 2 submitters: Uncertain significance (1); Likely benign (1). Last evaluated 2023-11-04.

Conditions:
Familial hypobetalipoproteinemia 1. Also called: APOB-Related Familial Hypobetalipoproteinemia; Hypobetalipoproteinemia, normotriglyceridemic; Acanthocytosis with hypobetalipoproteinemia. Identifiers: MedGen C4551990, MONDO:0014252, OMIM 615558.
Hypercholesterolemia, autosomal dominant, type B (FHCL2). Also called: Familial Hypercholesterolemia Type B; APOLIPOPROTEIN B-100, FAMILIAL DEFECTIVE; APOLIPOPROTEIN B-100, FAMILIAL LIGAND-DEFECTIVE; HYPERCHOLESTEROLEMIA, FAMILIAL, DUE TO LIGAND-DEFECTIVE APOLIPOPROTEIN B; Hyperlipoproteinemia Type IIb; Familial hypercholesterolemia 2. Identifiers: MedGen C1704417, MONDO:0007751, OMIM 144010.

Allele frequency attached by ClinVar (database versions not stated): gnomAD exomes below 0.00001 and 0.00001.
gnomAD v4.1: 5 of 1,614,056 alleles (0.00031%); highest among the groups gnomAD compares: East Asian, 0.0022%; no homozygotes.

Submissions (2):

Labcorp Genetics (formerly Invitae), Labcorp
Classification: Likely benign for Familial hypobetalipoproteinemia 1; Hypercholesterolemia, autosomal dominant, type B. Last evaluated: 2023-11-04. Review status: criteria provided, single submitter. Criteria: Invitae Variant Classification Sherloc (09022015). Collection method: clinical testing. Allele origin: germline.

Victorian Clinical Genetics Services, Murdoch Childrens Research Institute
Classification: Uncertain significance for Hypercholesterolemia, autosomal dominant, type B. Last evaluated: 2020-05-21. Review status: criteria provided, single submitter. Criteria: ACMG Guidelines, 2015. Collection method: clinical testing. Allele origin: germline. Affected: yes.
Comment: A heterozygous missense variant was identified, NM_000384.2(APOB):c.3077A>G in exon 20 of 29 of the APOB gene. This substitution is predicted to create a moderate amino acid change from an aspartic acid to a glycine at position 1026 of the protein; NP_000375.2(APOB):p.(Asp1026Gly). The aspartic acid at this position has low conservation (100 vertebrates, UCSC), and is located within a domain of unknown function (PDB). In silico software predicts this variant to be tolerated (PolyPhen2, SIFT, CADD, Mutation Taster). The variant is present in the gnomAD population database at a global population frequency of 0.0008% (2 heterozygotes, 0 homozygotes) with an East-Asian sub-population frequency of 0.01%. Two alternative residue changes at the same location has been reported in the gnomAD database at a frequency of 0.0004% each. This variant has not previously been reported in clinical cases. Based on information available at the time of curation, this variant has been classified as a VUS with LOW CLINICAL RELEVANCE. Legend: (P) - Pathogenic, (N) - Neutral, (B) - Benign

NM_000384.3(APOB):c.3077A>G (p.Asp1026Gly)

Gene: APOB (apolipoprotein B; minus strand). Cytogenetic location: 2p24.1.
Variant type: single nucleotide variant.
Coding change: c.3077A>G on transcript NM_000384.3 (MANE Select); coding-DNA position 3077, A replaced by G.
Protein change: p.Asp1026Gly; replaces aspartic acid 1026 with glycine.
Molecular consequence: missense variant.
Genome position (GRCh38, 1-based): chr2:21,019,036, T>C on the plus strand (A>G on the coding strand, the complement: APOB is on the minus strand). VCF-style: chr2-21019036-T-C. GRCh37 (hg19) VCF-style: chr2-21241908-T-C.
Other names: short protein forms D1026G.
Identifiers: ClinVar variation 2947952 (VCV002947952.4), dbSNP rs1223104391, ClinGen allele CA346009887.